The following is an entry in ClinVar:

ClinVar aggregate classification (germline): Uncertain significance (1 of 4 stars; one submission).

Conditions:
Thrombomodulin-related bleeding disorder (THPH12). Also called: Thrombophilia due to thrombomodulin defect. Identifiers: Orphanet 436169, MedGen C3280976, MONDO:0013775, OMIM 614486.

Submission:

Genomenon, Inc
Classification: Uncertain significance for Thrombomodulin-related bleeding disorder. Last evaluated: 2025-09-22. Review status: criteria provided, single submitter. Criteria: Genomenon Sequence Variant Interpretation Standards - Updated. Collection method: curation. Allele origin: germline. Affected: no.
Comment: THBD p.Cys265Ser (c.793T>A) is a missense variant that changes the amino acid at residue 265 from Cysteine to Serine. This variant has been reported in the published literature (PMID:34474479). It is absent or not present at a significant frequency in gnomAD. In silico models agree that this variant is possibly or probably damaging. In conclusion, we classify THBD p.Cys265Ser (c.793T>A) as a variant of unknown significance.

Literature cited by the submitters: PubMed 34474479.

NM_000361.3(THBD):c.793T>A (p.Cys265Ser)

Gene: THBD (thrombomodulin; minus strand). Cytogenetic location: 20p11.21.
Variant type: single nucleotide variant.
Coding change: c.793T>A on transcript NM_000361.3 (MANE Select); coding-DNA position 793, T replaced by A.
Protein change: p.Cys265Ser; replaces cysteine 265 with serine.
Molecular consequence: missense variant.
Genome position (GRCh38, 1-based): chr20:23,048,712, A>T on the plus strand (T>A on the coding strand, the complement: THBD is on the minus strand). VCF-style: chr20-23048712-A-T. GRCh37 (hg19) VCF-style: chr20-23029349-A-T.
Other names: short protein forms C265S.
Identifiers: ClinVar variation 4280391 (VCV004280391.1).
Genomic context (GRCh38, chr20:23,048,712, plus strand): 5'-TCGCGGATGCGGTGCAGGAGCGCCCGTCTGCCTGCAGGGCGGCGCCGGCTGGGCACTGGC[A>T]GCGGGGAGCCCCAGGGATCGCATTGCACGCGTGCTCGCAGCCGCCGTTCTCCACGCTGCA-3'
Protein context (NP_000352.1, residues 255-275): ACNAIPGAPR[Cys265Ser]QCPAGAALQA